The following is an entry in ClinVar:

NM_003383.5(VLDLR):c.821-2A>G

Gene: VLDLR (very low density lipoprotein receptor; plus strand). Cytogenetic location: 9p24.2.
Variant type: single nucleotide variant.
Coding change: c.821-2A>G on transcript NM_003383.5 (MANE Select); the canonical splice acceptor site of the intron before coding-DNA position 821, A replaced by G.
Molecular consequence: splice acceptor variant.
Genome position (GRCh38, 1-based): chr9:2,643,626, A>G. VCF-style: chr9-2643626-A-G. GRCh37 (hg19) VCF-style: chr9-2643626-A-G.
Other names: c.821-2A>G (NM_001018056.3); c.698-2A>G (NM_001322225.2, NM_001322226.2).
Identifiers: ClinVar variation 450520 (VCV000450520.2), dbSNP rs755328835, ClinGen allele CA4964646.

ClinVar aggregate classification (germline): Likely pathogenic (1 of 4 stars; one submission).

Allele frequency attached by ClinVar (database versions not stated): gnomAD exomes below 0.00001; ExAC 0.00001.

Submission:

GeneDx
Classification: Likely pathogenic. Last evaluated: 2017-08-01. Review status: criteria provided, single submitter. Criteria: GeneDx Variant Classification (06012015). Collection method: clinical testing. Allele origin: germline. Affected: yes.
Comment: A variant that is likely pathogenic has been identified in the VLDLR gene. The c.821-2 A>G variant has not been published as a pathogenic variant, nor has it been reported as a benign variant to our knowledge. The c.821-2 A>G variant is not observed at a significant frequency in large population cohorts (Lek et al., 2016; 1000 Genomes Consortium et al., 2015; Exome Variant Server). The c.821-2 A>G splice site variant destroys the canonical splice acceptor site in intron 5. It is predicted to cause abnormal gene splicing, either leading to an abnormal message that is subject to nonsense-mediated mRNA decay, or to an abnormal protein product if the message is used for protein translation. Therefore, this variant is likely pathogenic; however, the possibility that it is benign cannot be excluded.